The following is an entry in ClinVar:

ClinVar aggregate classification (germline): Conflicting classifications of pathogenicity. Review status: criteria provided, conflicting classifications (1 of 4 stars). 8 submissions from 8 submitters: Uncertain significance (4); Likely benign (4). Last evaluated 2026-01-28.

Conditions:
Inborn genetic diseases. Identifiers: MedGen C0950123, MeSH D030342.
Chédiak-Higashi syndrome (CHS). Also called: Chediak-Higashi Syndrome. Identifiers: Orphanet 167, MedGen C0007965, MONDO:0008963, OMIM 214500.
LYST-related disorder. Also called: LYST-related condition.

Allele frequency attached by ClinVar (database versions not stated): ESP Exome Variant Server 0.00008; gnomAD exomes 0.00009 and 0.00020; TOPMed 0.00011 and 0.00012; gnomAD 0.00014; ExAC 0.00015.
gnomAD v4.1: 180 of 1,614,048 alleles (0.011%); highest among the groups gnomAD compares: Admixed American, 0.013%; no homozygotes.

Submissions (8):

Labcorp Genetics (formerly Invitae), Labcorp
Classification: Likely benign for Chédiak-Higashi syndrome. Last evaluated: 2026-01-28. Review status: criteria provided, single submitter. Criteria: Invitae Variant Classification Sherloc (09022015). Collection method: clinical testing. Allele origin: germline.

PreventionGenetics, part of Exact Sciences
Classification: Likely benign for LYST-related condition. Last evaluated: 2025-03-12. Review status: criteria provided, single submitter. Criteria: ACMG Guidelines, 2015. Collection method: clinical testing. Allele origin: germline.
Comment: This variant is classified as likely benign based on ACMG/AMP sequence variant interpretation guidelines (Richards et al. 2015 PMID: 25741868, with internal and published modifications).

Mayo Clinic Laboratories, Mayo Clinic
Classification: Likely benign. Last evaluated: 2025-02-20. Review status: criteria provided, single submitter. Criteria: ACMG Guidelines, 2015. Collection method: clinical testing. Allele origin: germline. Observed: 2 variant alleles.
Comment: BS1, BP4

Women's Health and Genetics/Laboratory Corporation of America, LabCorp
Classification: Likely benign. Last evaluated: 2025-01-13. Review status: criteria provided, single submitter. Criteria: LabCorp Variant Classification Summary - May 2015. Collection method: clinical testing. Allele origin: germline.
Comment: Variant summary: LYST c.10477T>C (p.Phe3493Leu) results in a non-conservative amino acid change in the encoded protein sequence. Two of four in-silico tools predict a benign effect of the variant on protein function. The variant allele was found at a frequency of 0.00011 in 1607052 control chromosomes, predominantly at a frequency of 0.0039 within the Ashkenazi Jewish subpopulation in the gnomAD database (v4.1 dataset). The observed variant frequency within Ashkenazi Jewish control individuals in the gnomAD database is approximately 3.5-fold of the estimated maximal expected allele frequency for a pathogenic variant in LYST causing Chediak-Higashi Syndrome phenotype (0.0011). To our knowledge, no occurrence of c.10477T>C in individuals affected with Chediak-Higashi Syndrome and no experimental evidence demonstrating its impact on protein function have been reported. ClinVar contains an entry for this variant (Variation ID: 296355). Based on the evidence outlined above, the variant was classified as likely benign.

Blueprint Genetics
Classification: Uncertain significance. Last evaluated: 2024-04-30. Review status: criteria provided, single submitter. Criteria: ACMG Guidelines, 2015. Collection method: clinical testing. Allele origin: germline.

Department of Pathology and Laboratory Medicine, Sinai Health System
Classification: Uncertain significance for Chédiak-Higashi syndrome. Last evaluated: 2023-05-12. Review status: criteria provided, single submitter. Criteria: ACMG Guidelines, 2015. Collection method: research. Allele origin: germline.

Ambry Genetics
Classification: Uncertain significance for Inborn genetic diseases. Last evaluated: 2021-05-24. Review status: criteria provided, single submitter. Criteria: Ambry Variant Classification Scheme 2023. Collection method: clinical testing. Allele origin: germline.

Baylor Genetics
Classification: Uncertain significance for Chédiak-Higashi syndrome. Last evaluated: 2019-09-13. Review status: criteria provided, single submitter. Criteria: ACMG Guidelines, 2015. Collection method: clinical testing. Allele origin: unknown. Affected: yes.
Comment: This variant was determined to be of uncertain significance according to ACMG Guidelines, 2015 [PMID:25741868].

NM_000081.4(LYST):c.10477T>C (p.Phe3493Leu)

Gene: LYST (lysosomal trafficking regulator; minus strand). Cytogenetic location: 1q42.3.
Variant type: single nucleotide variant.
Coding change: c.10477T>C on transcript NM_000081.4 (MANE Select); coding-DNA position 10477, T replaced by C.
Protein change: p.Phe3493Leu; replaces phenylalanine 3493 with leucine.
Molecular consequence: missense variant.
Genome position (GRCh38, 1-based): chr1:235,697,170, A>G on the plus strand (T>C on the coding strand, the complement: LYST is on the minus strand). VCF-style: chr1-235697170-A-G. GRCh37 (hg19) VCF-style: chr1-235860470-A-G.
Other names: p.Phe3493Leu; c.10477T>C (NM_000081.2); c.10477T>C, p.Phe3493Leu (NM_001301365.1); short protein forms F3493L.
Identifiers: ClinVar variation 296355 (VCV000296355.23), dbSNP rs200511787, ClinGen allele CA1465358.